The following is an entry in ClinVar:

ClinVar aggregate classification (germline): Benign/Likely benign. Review status: criteria provided, multiple submitters, no conflicts (2 of 4 stars). 2 submissions from 2 submitters: Benign (1); Likely benign (1). Last evaluated 2018-01-13.

Conditions:
Sialuria. Also called: SIALURIA, FRENCH TYPE; Sialic Acid Storage Disease. Identifiers: Orphanet 3166, MedGen C0342853, MONDO:0010028, OMIM 269921.

Allele frequency attached by ClinVar (database versions not stated): 1000 Genomes Project 0.00439; 1000 Genomes Project 30x 0.00500; TOPMed 0.00957; gnomAD 0.01289 and 0.01319.

Submissions (2):

Illumina Laboratory Services, Illumina
Classification: Benign for Sialuria. Last evaluated: 2018-01-13. Review status: criteria provided, single submitter. Criteria: ICSL Variant Classification Criteria 13 December 2019. Collection method: clinical testing. Allele origin: germline.
Comment: This variant was observed in the ICSL laboratory as part of a predisposition screen in an ostensibly healthy population. It had not been previously curated by ICSL or reported in the Human Gene Mutation Database (HGMD: prior to June 1st, 2018), and was therefore a candidate for classification through an automated scoring system. Utilizing variant allele frequency, disease prevalence and penetrance estimates, and inheritance mode, an automated score was calculated to assess if this variant is too frequent to cause the disease. Based on the score and internal cut-off values, a variant classified as benign is not then subjected to further curation. The score for this variant resulted in a classification of benign for this disease.

Breakthrough Genomics
Classification: Likely benign. Review status: criteria provided, single submitter. Criteria: ACMG Guidelines, 2015. Collection method: not provided. Allele origin: germline. Inheritance: Autosomal recessive inheritance. Affected: yes.

NM_005476.7(GNE):c.*2211C>G

Gene: GNE (glucosamine (UDP-N-acetyl)-2-epimerase/N-acetylmannosamine kinase; minus strand). Cytogenetic location: 9p13.3.
Variant type: single nucleotide variant.
Coding change: c.*2211C>G on transcript NM_005476.7 (MANE Select); 2211 bases downstream of the stop codon, C replaced by G.
Molecular consequence: 3 prime UTR variant.
Genome position (GRCh38, 1-based): chr9:36,215,154, G>C on the plus strand (C>G on the coding strand, the complement: GNE is on the minus strand). VCF-style: chr9-36215154-G-C. GRCh37 (hg19) VCF-style: chr9-36215151-G-C.
Other names: c.*2211C>G (NM_001128227.3, NM_001190383.3, NM_001190384.3 and 3 more transcripts).
Identifiers: ClinVar variation 366806 (VCV000366806.7), dbSNP rs150978860, ClinGen allele CA10630059.
Genomic context (GRCh38, chr9:36,215,154, plus strand): 5'-GCGGGCGGATCACCTGAGGTCAGGAGTTCAAGACCAGCCTGGCCAACATGGTGAAACCCT[G>C]TCTACTAAAAATACAAAAAAAAATCAGCCGGGCGTGGTGCATGTGCCTGTAATCCCAGCT-3'